The following is an entry in ClinVar:

ClinVar aggregate classification (germline): Uncertain significance (1 of 4 stars; one submission).

Allele frequency attached by ClinVar (database versions not stated): TOPMed below 0.00001 and 0.00001.

Submission:

ARUP Laboratories, Molecular Genetics and Genomics, ARUP Laboratories
Classification: Uncertain significance. Last evaluated: 2018-05-04. Review status: criteria provided, single submitter. Criteria: ARUP Molecular Germline Variant Investigation Process. Collection method: clinical testing. Allele origin: germline.
Comment: The TTN c.57306A>T; p.Lys19102Asn variant is rare in the general population (<1% allele frequency in the Genome Aggregation Database) and has not been reported in the medical literature in association with dilated cardiomyopathy (DCM) or other TTN-related disease. The clinical relevance of rare missense variants in this gene, which are identified on average once per individual sequenced in affected populations (Herman 2012), is not well understood. While the clinical significance of such variants is considered uncertain, evidence suggests that the vast majority of missense variants do not contribute to the clinical outcome of DCM (Begay 2015). Given the available evidence, the clinical significance of the p.Lys19102Asn variant cannot be determined with certainty.

NM_001267550.2(TTN):c.65010A>T (p.Lys21670Asn)

Genes: TTN-AS1 (TTN antisense RNA 1; plus strand), TTN (titin; minus strand). Cytogenetic location: 2q31.2.
Variant type: single nucleotide variant.
Coding change: c.65010A>T on transcript NM_001267550.2 (MANE Select); coding-DNA position 65010, A replaced by T.
Protein change: p.Lys21670Asn; replaces lysine 21670 with asparagine.
Molecular consequence: missense variant.
Genome position (GRCh38, 1-based): chr2:178,584,541, T>A on the plus strand (A>T on the coding strand, the complement: TTN is on the minus strand). VCF-style: chr2-178584541-T-A. GRCh37 (hg19) VCF-style: chr2-179449268-T-A.
Other names: c.60087A>T, p.Lys20029Asn (NM_001256850.1); c.37815A>T, p.Lys12605Asn (NM_003319.4); c.57306A>T, p.Lys19102Asn (NM_133378.4); c.38190A>T, p.Lys12730Asn (NM_133432.3); c.38391A>T, p.Lys12797Asn (NM_133437.4); short protein forms K19102N, K21670N, K12605N, K12730N, K12797N, K20029N.
Identifiers: ClinVar variation 618458 (VCV000618458.8), dbSNP rs878892116, ClinGen allele CA60962011.